The following is an entry in ClinVar:

NM_001276270.2(MBD4):c.1195C>T (p.Pro399Ser)

Gene: MBD4 (methyl-CpG binding domain 4, DNA glycosylase; minus strand). Cytogenetic location: 3q21.3.
Variant type: single nucleotide variant.
Coding change: c.1195C>T on transcript NM_001276270.2 (MANE Select); coding-DNA position 1195, C replaced by T.
Protein change: p.Pro399Ser; replaces proline 399 with serine.
Molecular consequence: missense variant.
Genome position (GRCh38, 1-based): chr3:129,434,125, G>A on the plus strand (C>T on the coding strand, the complement: MBD4 is on the minus strand). VCF-style: chr3-129434125-G-A. GRCh37 (hg19) VCF-style: chr3-129152968-G-A.
Other names: c.1213C>T, p.Pro405Ser (NM_001276271.2, NM_001276272.2, NM_003925.3); c.259C>T, p.Pro87Ser (NM_001276273.2); c.1213C>T (NM_003925.2); short protein forms P399S, P87S, P405S.
Identifiers: ClinVar variation 2868166 (VCV002868166.5), dbSNP rs772147388, ClinGen allele CA2605379.

ClinVar aggregate classification (germline): Uncertain significance. Review status: criteria provided, multiple submitters, no conflicts (2 of 4 stars). 3 submissions from 3 submitters: Uncertain significance (3). Last evaluated 2026-08-01.

Conditions:
Inborn genetic diseases. Identifiers: MedGen C0950123, MeSH D030342.
MBD4-related disorder. Also called: MBD4-related condition.

Allele frequency attached by ClinVar (database versions not stated): gnomAD exomes 0.00001; ExAC 0.00002; TOPMed 0.00002; gnomAD 0.00003.

Submissions (3):

PreventionGenetics, part of Exact Sciences
Classification: Uncertain significance for MBD4-related condition. Last evaluated: 2026-08-01. Review status: criteria provided, single submitter. Criteria: ACMG Guidelines, 2015. Collection method: clinical testing. Allele origin: germline.
Comment: The MBD4 c.1213C>T variant is predicted to result in the amino acid substitution p.Pro405Ser. To our knowledge, this variant has not been reported in the literature. This variant is reported in 0.0026% of alleles in individuals of European (Non-Finnish) descent in gnomAD and is classified as uncertain in ClinVar (Variation ID: 2868166). At this time, the clinical significance of this variant is uncertain due to the absence of conclusive functional and genetic evidence.

Ambry Genetics
Classification: Uncertain significance for Inborn genetic diseases. Last evaluated: 2025-10-25. Review status: criteria provided, single submitter. Criteria: Ambry Variant Classification Scheme 2023. Collection method: clinical testing. Allele origin: germline.

Labcorp Genetics (formerly Invitae), Labcorp
Classification: Uncertain significance. Last evaluated: 2025-02-01. Review status: criteria provided, single submitter. Criteria: Invitae Variant Classification Sherloc (09022015). Collection method: clinical testing. Allele origin: germline.
Comment: This sequence change replaces proline, which is neutral and non-polar, with serine, which is neutral and polar, at codon 405 of the MBD4 protein (p.Pro405Ser). This variant is present in population databases (rs772147388, gnomAD 0.004%). This variant has not been reported in the literature in individuals affected with MBD4-related conditions. ClinVar contains an entry for this variant (Variation ID: 2868166). An algorithm developed to predict the effect of missense changes on protein structure and function outputs the following: PolyPhen-2: "Benign". The serine amino acid residue is found in multiple mammalian species, which suggests that this missense change does not adversely affect protein function. In summary, the available evidence is currently insufficient to determine the role of this variant in disease. Therefore, it has been classified as a Variant of Uncertain Significance.